The following is an entry in ClinVar:

NM_021815.5(SLC5A7):c.779G>T (p.Arg260Met)

Gene: SLC5A7 (solute carrier family 5 member 7; plus strand). Cytogenetic location: 2q12.3.
Variant type: single nucleotide variant.
Coding change: c.779G>T on transcript NM_021815.5 (MANE Select); coding-DNA position 779, G replaced by T.
Protein change: p.Arg260Met; replaces arginine 260 with methionine.
Molecular consequence: missense variant.
Genome position (GRCh38, 1-based): chr2:108,006,086, G>T. VCF-style: chr2-108006086-G-T. GRCh37 (hg19) VCF-style: chr2-108622542-G-T.
Other names: c.779G>T, p.Arg260Met (NM_001305005.3); c.464G>T, p.Arg155Met (NM_001305006.3); c.38G>T, p.Arg13Met (NM_001305007.3); short protein forms R155M, R13M, R260M.
Identifiers: ClinVar variation 1034784 (VCV001034784.5), dbSNP rs1678107773, ClinGen allele CA348113125.

ClinVar aggregate classification (germline): Uncertain significance (1 of 4 stars; one submission).

Conditions:
Congenital myasthenic syndrome 20. Also called: Myasthenic syndrome, congenital, 20, presynaptic. Identifiers: MedGen C4310694, MONDO:0014939, OMIM 617143.
Neuronopathy, distal hereditary motor, type 7A. Also called: HARPER-YOUNG MYOPATHY; HMN VIIA; Neuronopathy, distal hereditary motor, type viia; NEURONOPATHY, DISTAL HEREDITARY MOTOR, HARDING TYPE VIIA; NEUROPATHY, DISTAL HEREDITARY MOTOR, HARDING TYPE VIIA; SPINAL MUSCULAR ATROPHY, DISTAL, WITH VOCAL CORD PARALYSIS. Identifiers: Orphanet 139589, MedGen C1834703, MONDO:0008024, OMIM 158580.

Submission:

Labcorp Genetics (formerly Invitae), Labcorp
Classification: Uncertain significance for Neuronopathy, distal hereditary motor, type 7A; Congenital myasthenic syndrome 20. Last evaluated: 2020-03-09. Review status: criteria provided, single submitter. Criteria: Invitae Variant Classification Sherloc (09022015). Collection method: clinical testing. Allele origin: germline.
Comment: In summary, the available evidence is currently insufficient to determine the role of this variant in disease. Therefore, it has been classified as a Variant of Uncertain Significance. Algorithms developed to predict the effect of missense changes on protein structure and function (SIFT, PolyPhen-2, Align-GVGD) all suggest that this variant is likely to be disruptive, but these predictions have not been confirmed by published functional studies and their clinical significance is uncertain. This variant has not been reported in the literature in individuals with SLC5A7-related conditions. This variant is not present in population databases (ExAC no frequency). This sequence change replaces arginine with methionine at codon 260 of the SLC5A7 protein (p.Arg260Met). The arginine residue is highly conserved and there is a moderate physicochemical difference between arginine and methionine.